The following is an entry in ClinVar:

NM_018263.6(ASXL2):c.2762dup (p.Ala922fs)

Gene: ASXL2 (ASXL transcriptional regulator 2; minus strand). Cytogenetic location: 2p23.3.
Variant type: Duplication.
Coding change: c.2762dup on transcript NM_018263.6 (MANE Select); coding-DNA position 2762, one base duplicated (C; older notation c.2762dupC).
Protein change: p.Ala922fs; shifts the reading frame from alanine 922.
Molecular consequence: frameshift variant.
Genome position (GRCh38, 1-based): chr2:25,743,575, G duplicated on the plus strand (C on the coding strand, the reverse complement: ASXL2 is on the minus strand); the first of 2 consecutive G bases (chr2:25,743,575-25,743,576); duplicating either gives the same sequence. VCF-style (leftmost placement, unchanged base first): chr2-25743574-T-TG. GRCh37 (hg19) VCF-style: chr2-25966443-T-TG.
Other names: c.2588dup, p.Ala864fs (NM_001369346.1); c.1982dup, p.Ala662fs (NM_001369347.1); short protein forms A662fs, A864fs, A922fs.
Identifiers: ClinVar variation 3905849 (VCV003905849.10).

ClinVar aggregate classification (germline): Likely pathogenic (1 of 4 stars; one submission).

Submission:

CeGaT Center for Human Genetics Tuebingen
Classification: Likely pathogenic. Last evaluated: 2025-05-01. Review status: criteria provided, single submitter. Criteria: CeGaT Center For Human Genetics Tuebingen Variant Classification Criteria Version 2. Collection method: clinical testing. Allele origin: germline. Affected: yes. Observed: 1 variant allele.
Comment: ASXL2: PVS1:Strong, PM2